The following is an entry in ClinVar:

NM_018490.5(LGR4):c.467G>A (p.Arg156Gln)

Gene: LGR4 (leucine rich repeat containing G protein-coupled receptor 4; minus strand). Cytogenetic location: 11p14.1.
Variant type: single nucleotide variant.
Coding change: c.467G>A on transcript NM_018490.5 (MANE Select); coding-DNA position 467, G replaced by A.
Protein change: p.Arg156Gln; replaces arginine 156 with glutamine.
Molecular consequence: missense variant.
Genome position (GRCh38, 1-based): chr11:27,385,403, C>T on the plus strand (G>A on the coding strand, the complement: LGR4 is on the minus strand). VCF-style: chr11-27385403-C-T. GRCh37 (hg19) VCF-style: chr11-27406950-C-T.
Other names: NC_000011.9:g.27406950C>T; c.395G>A, p.Arg132Gln (NM_001346432.2); short protein forms R132Q, R156Q.
Identifiers: ClinVar variation 2641694 (VCV002641694.25), dbSNP rs143913282, ClinGen allele CA5928721.
Genomic context (GRCh38, chr11:27,385,403, plus strand): 5'-AGATTGCTGAGGGGGTGCACAGGCACCTCCGTCAAGCTGTTGTCATCCAGCCACAGATGC[C>T]GTAACTGAACAAGTCCTTCAAAACTGTCCTCGGGGACTGAGGTAATATGGTTGGCATCTA-3'
Protein context (NP_060960.2, residues 146-166): EDSFEGLVQL[Arg156Gln]HLWLDDNSLT

ClinVar aggregate classification (germline): Benign (1 of 4 stars; one submission).

Allele frequency attached by ClinVar (database versions not stated): ESP Exome Variant Server 0.00100; gnomAD exomes 0.00100; gnomAD 0.00104; TOPMed 0.00135; ExAC 0.00151.
gnomAD v4.1: 1,755 of 1,611,926 alleles (0.11%); highest among the groups gnomAD compares: Non-Finnish European, 0.025%; 22 homozygotes.

Submissions (4):

CeGaT Center for Human Genetics Tuebingen
Classification: Benign. Last evaluated: 2024-08-01. Review status: criteria provided, single submitter. Criteria: CeGaT Center For Human Genetics Tuebingen Variant Classification Criteria Version 2. Collection method: clinical testing. Allele origin: germline. Affected: yes. Observed: 4 variant alleles.
Comment: LGR4: BS1, BS2

Dr. Peter K. Rogan Lab, Western University
No classification provided (evidence only). Condition: Clear cell carcinoma of kidney. Review status: no classification provided. Collection method: in vitro. Allele origin: not applicable. Functional consequence: retained intron. Not counted in ClinVar's aggregate classification.

Dr. Peter K. Rogan Lab, Western University
No classification provided (evidence only). Condition: Sarcoma. Review status: no classification provided. Collection method: in vitro. Allele origin: not applicable. Functional consequence: retained intron. Not counted in ClinVar's aggregate classification.

Dr. Peter K. Rogan Lab, Western University
No classification provided (evidence only). Condition: Ovarian serous cystadenocarcinoma. Review status: no classification provided. Collection method: in vitro. Allele origin: not applicable. Functional consequence: retained intron. Not counted in ClinVar's aggregate classification.